The following is an entry in ClinVar:

ClinVar aggregate classification (germline): Uncertain significance. Review status: criteria provided, multiple submitters, no conflicts (2 of 4 stars). 8 submissions from 8 submitters: Uncertain significance (7). 1 of the submissions does not count toward it. Last evaluated 2025-12-10.

Conditions:
Zellweger spectrum disorders (ZS). Also called: Zellweger Spectrum Disorder; Zellweger Spectrum; Zellweger Spectrum Disorder (ZSD); Zellweger syndrome. Identifiers: Orphanet 912, MedGen C0043459, MONDO:0019609.
Peroxisome biogenesis disorder 4A (Zellweger) (PBD4A). Also called: Zellweger syndrome spectrum (PEX6-related). Identifiers: Orphanet 912, MedGen C3553936, MONDO:0013930, OMIM 614862. Disease mechanism: loss of function.
Peroxisome biogenesis disorder 4B (PBD4B). Also called: SPINOCEREBELLAR ATAXIA WITH BLINDNESS AND DEAFNESS 1. Identifiers: Orphanet 44, Orphanet 95433, MedGen C3553937, MONDO:0013931, OMIM 614863.
Heimler syndrome 2 (HMLR2). Also called: PEROXISOME BIOGENESIS DISORDER 4C. Identifiers: Orphanet 3220, MedGen C4225267, OMIM 616617, MONDO:0014709.
Peroxisome biogenesis disorder. Identifiers: Orphanet 79189, MedGen C1832200, MONDO:0019234. Disease mechanism: loss of function.
PEX6-related disorder. Also called: PEX6-related condition; PEX6-related disorders.
Inborn genetic diseases. Identifiers: MedGen C0950123, MeSH D030342.

Allele frequency attached by ClinVar (database versions not stated): gnomAD exomes 0.00002 and 0.00006; TOPMed 0.00002; gnomAD 0.00003 and 0.00004; ExAC 0.00007.
gnomAD v4.1: 34 of 1,613,976 alleles (0.0021%); highest among the groups gnomAD compares: Middle Eastern, 0.016%; no homozygotes.

Submissions (8):

Ambry Genetics
Classification: Uncertain significance for Inborn genetic diseases. Last evaluated: 2025-12-10. Review status: criteria provided, single submitter. Criteria: Ambry Variant Classification Scheme 2023. Collection method: clinical testing. Allele origin: germline.

Mayo Clinic Laboratories, Mayo Clinic
Classification: Uncertain significance. Last evaluated: 2025-08-12. Review status: criteria provided, single submitter. Criteria: ACMG Guidelines, 2015. Collection method: clinical testing. Allele origin: germline. Observed: 1 variant allele.
Comment: PP3, PM2_supporting

PreventionGenetics, part of Exact Sciences
Classification: Uncertain significance for PEX6-related condition. Last evaluated: 2025-02-19. Review status: criteria provided, single submitter. Criteria: ACMG Guidelines, 2015. Collection method: clinical testing. Allele origin: germline.
Comment: The PEX6 c.1150A>C variant is predicted to result in the amino acid substitution p.Lys384Gln. To our knowledge, this variant has not been reported in the literature. This variant is reported in 0.023% of alleles in individuals of Latino descent in gnomAD. At this time, the clinical significance of this variant is uncertain due to the absence of conclusive functional and genetic evidence.

Labcorp Genetics (formerly Invitae), Labcorp
Classification: Uncertain significance for Peroxisome biogenesis disorder. Last evaluated: 2025-01-13. Review status: criteria provided, single submitter. Criteria: Invitae Variant Classification Sherloc (09022015). Collection method: clinical testing. Allele origin: germline.
Comment: This sequence change replaces lysine, which is basic and polar, with glutamine, which is neutral and polar, at codon 384 of the PEX6 protein (p.Lys384Gln). This variant is present in population databases (rs769388552, gnomAD 0.02%). This variant has not been reported in the literature in individuals affected with PEX6-related conditions. ClinVar contains an entry for this variant (Variation ID: 502562). Invitae Evidence Modeling of protein sequence and biophysical properties (such as structural, functional, and spatial information, amino acid conservation, physicochemical variation, residue mobility, and thermodynamic stability) indicates that this missense variant is not expected to disrupt PEX6 protein function with a negative predictive value of 95%. In summary, the available evidence is currently insufficient to determine the role of this variant in disease. Therefore, it has been classified as a Variant of Uncertain Significance.

Blueprint Genetics
Classification: Uncertain significance. Last evaluated: 2022-07-27. Review status: criteria provided, single submitter. Criteria: ACMG Guidelines, 2015. Collection method: clinical testing. Allele origin: germline.

Fulgent Genetics
Classification: Uncertain significance for Peroxisome biogenesis disorder 4A (Zellweger); Peroxisome biogenesis disorder 4B; Heimler syndrome 2. Last evaluated: 2022-03-08. Review status: criteria provided, single submitter. Criteria: ACMG Guidelines, 2015. Collection method: clinical testing. Allele origin: unknown.

Eurofins Ntd Llc (ga)
Classification: Uncertain significance. Last evaluated: 2018-07-24. Review status: criteria provided, single submitter. Criteria: EGL ClinVar v180209 classification definitions. Collection method: clinical testing. Allele origin: germline. Observed: 2 variant alleles, 2 heterozygotes.

Natera, Inc.
Classification: Uncertain significance for Zellweger syndrome. Last evaluated: 2019-10-28. Review status: no assertion criteria provided. Collection method: clinical testing. Allele origin: germline. Not counted in ClinVar's aggregate classification.

NM_000287.4(PEX6):c.1150A>C (p.Lys384Gln)

Gene: PEX6 (peroxisomal biogenesis factor 6; minus strand). Cytogenetic location: 6p21.1.
Variant type: single nucleotide variant.
Coding change: c.1150A>C on transcript NM_000287.4 (MANE Select); coding-DNA position 1150, A replaced by C.
Protein change: p.Lys384Gln; replaces lysine 384 with glutamine.
Molecular consequence: missense variant. On other transcripts: non-coding transcript variant (1).
Genome position (GRCh38, 1-based): chr6:42,969,968, T>G on the plus strand (A>C on the coding strand, the complement: PEX6 is on the minus strand). VCF-style: chr6-42969968-T-G. GRCh37 (hg19) VCF-style: chr6-42937706-T-G.
Other names: p.Lys384Gln; c.886A>C, p.Lys296Gln (NM_001316313.2); short protein forms K384Q, K296Q.
Identifiers: ClinVar variation 502562 (VCV000502562.13), dbSNP rs769388552, ClinGen allele CA3811425.
Genomic context (GRCh38, chr6:42,969,968, plus strand): 5'-TGTCGGCCAAGTAGGCACTGGCTGGTCCATCTGGAGCTTCCCCAACTGTTTTCTTCACTT[T>G]AAAAAACATTTCCCGCCACCTGCAGGAAAAAGGCCCAATGAACCCCAGATCCAGAGTCCA-3'
Protein context (NP_000278.3, residues 374-394): KLPRWREMFF[Lys384Gln]VKKTVGEAPD